The following is an entry in ClinVar:

ClinVar aggregate classification (germline): Uncertain significance (1 of 4 stars; one submission).

gnomAD v4.1: 4 of 1,614,122 alleles (0.00025%); highest among the groups gnomAD compares: Admixed American, 0.0033%; no homozygotes.

Submission:

Labcorp Genetics (formerly Invitae), Labcorp
Classification: Uncertain significance. Last evaluated: 2022-05-29. Review status: criteria provided, single submitter. Criteria: Invitae Variant Classification Sherloc (09022015). Collection method: clinical testing. Allele origin: germline.
Comment: In summary, the available evidence is currently insufficient to determine the role of this variant in disease. Therefore, it has been classified as a Variant of Uncertain Significance. Algorithms developed to predict the effect of missense changes on protein structure and function output the following: SIFT: "Tolerated"; PolyPhen-2: "Benign"; Align-GVGD: "Class C0". The glutamine amino acid residue is found in multiple mammalian species, which suggests that this missense change does not adversely affect protein function. This sequence change replaces arginine, which is basic and polar, with glutamine, which is neutral and polar, at codon 478 of the C3 protein (p.Arg478Gln). This variant is present in population databases (no rsID available, gnomAD 0.003%). This variant has not been reported in the literature in individuals affected with C3-related conditions.

NM_000064.4(C3):c.1433G>A (p.Arg478Gln)

Gene: C3 (complement C3; minus strand). Cytogenetic location: 19p13.3.
Variant type: single nucleotide variant.
Coding change: c.1433G>A on transcript NM_000064.4 (MANE Select); coding-DNA position 1433, G replaced by A.
Protein change: p.Arg478Gln; replaces arginine 478 with glutamine.
Molecular consequence: missense variant.
Genome position (GRCh38, 1-based): chr19:6,711,033, C>T on the plus strand (G>A on the coding strand, the complement: C3 is on the minus strand). VCF-style: chr19-6711033-C-T. GRCh37 (hg19) VCF-style: chr19-6711044-C-T.
Other names: short protein forms R478Q.
Identifiers: ClinVar variation 2108800 (VCV002108800.4), dbSNP rs747968673, ClinGen allele CA304795579.
Genomic context (GRCh38, chr19:6,711,033, plus strand): 5'-AGGTGGCCACGGACCAGGTAGGTGTAGTAGCGGATCTTGGCCTCGTGGGCGCGGTCCATT[C>T]GCAGGAGGAAGTTGACGTTGAGGGTCTCCCCGGGTCTGAGCTCTGTACGTAGCACTGAGA-3'
Protein context (NP_000055.2, residues 468-488): GETLNVNFLL[Arg478Gln]MDRAHEAKIR